The following is an entry in ClinVar:

NC_000005.9:g.(?_136633338)_(140998481_?)dup

Genes: PCDHGA9 (protocadherin gamma subfamily A, 9; plus strand), VTRNA1-1 (vault RNA 1-1; plus strand), PCDHGC3 (protocadherin gamma subfamily C, 3; plus strand), SNHG4 (small nucleolar RNA host gene 4; plus strand), PCDHB15 (protocadherin beta 15; plus strand) and 113 more. Cytogenetic location: 5q31.2-31.3.
Variant type: Duplication.
Identifiers: ClinVar variation 1020265 (VCV001020265.3).

ClinVar aggregate classification (germline): Uncertain significance (1 of 4 stars; one submission).

Conditions:
PURA-related severe neonatal hypotonia-seizures-encephalopathy syndrome (NEDRIHF). Also called: PURA-Related Neurodevelopmental Disorders; NEURODEVELOPMENTAL DISORDER WITH NEONATAL RESPIRATORY INSUFFICIENCY, HYPOTONIA, AND FEEDING DIFFICULTIES. Identifiers: Orphanet 438213, Orphanet 438216, MedGen C4015357, MONDO:1060108, OMIM 616158, MONDO:0018580.

Submission:

Labcorp Genetics (formerly Invitae), Labcorp
Classification: Uncertain significance for PURA-related severe neonatal hypotonia-seizures-encephalopathy syndrome. Last evaluated: 2020-09-24. Review status: criteria provided, single submitter. Criteria: Invitae Variant Classification Sherloc (09022015). Collection method: clinical testing. Allele origin: germline.
Comment: This variant results in a copy number gain of the genomic region encompassing the full coding sequence of the PURA gene. The boundaries of this event are unknown as they extend beyond the assayed region for this gene and therefore may encompass additional genes. As the precise location of this event is unknown, it may be in tandem or it may be located elsewhere in the genome. This variant has not been reported in the literature in individuals with PURA-related conditions. In summary, the available evidence is currently insufficient to determine the role of this variant in disease. Therefore, it has been classified as a Variant of Uncertain Significance.